The following is an entry in ClinVar:

ClinVar aggregate classification (germline): Conflicting classifications of pathogenicity. Review status: criteria provided, conflicting classifications (1 of 4 stars). 5 submissions from 5 submitters: Pathogenic (1); Likely pathogenic (3); Uncertain significance (1). Last evaluated 2026-03-20.

Conditions:
Megalencephalic leukoencephalopathy with subcortical cysts. Also called: VAN DER KNAAP DISEASE. Identifiers: Orphanet 2478, MedGen C1858854, MONDO:0011391.
Megalencephalic leukoencephalopathy with subcortical cysts 1 (MLC1). Also called: LEUKOENCEPHALOPATHY WITH SWELLING AND CYSTS; VACUOLATING MEGALENCEPHALIC LEUKOENCEPHALOPATHY WITH SUBCORTICAL CYSTS. Identifiers: Orphanet 2478, MedGen C5779875, MONDO:0024555, OMIM 604004.

Allele frequency attached by ClinVar (database versions not stated): gnomAD exomes below 0.00001.

Submissions (5):

GeneDx
Classification: Pathogenic. Last evaluated: 2026-03-20. Review status: criteria provided, single submitter. Criteria: GeneDx Variant Classification Process June 2021. Collection method: clinical testing. Allele origin: germline.
Comment: Published functional studies demonstrate a damaging effect where p.(C85W) impairs the function of MCL1 as the transmembrane ion transporter (PMID: 18757878); Not observed at significant frequency in large population cohorts (gnomAD); In silico analysis supports that this missense variant has a deleterious effect on protein structure/function; This variant is associated with the following publications: (PMID: 23793458, 35468122, 18757878, 11935341)

Natera, Inc.
Classification: Likely pathogenic for Megalencephalic leukoencephalopathy with subcortical cysts. Last evaluated: 2025-09-02. Review status: criteria provided, single submitter. Criteria: Natera Variant Classification Schema (03/2026). Collection method: clinical testing. Allele origin: germline.
Comment: The c.255T>G variant in MLC1 is a missense variant predicted to cause substitution of cysteine to tryptophan at amino acid 85. This variant is rare in the general population with a frequency below the threshold expected for the associated phenotype(s). This variant has been observed in one or more individuals affected with the associated recessive disease, as either homozygous or compound heterozygous with a second variant (PMID: 11935341, 35468122). Additionally, this variant has been observed to segregate in affected family members (PMID: 11935341). Functional studies show that this variant may disrupt protein function (PMID: 18757878). A different variant at the same position has been determined to be Pathogenic or Likely Pathogenic. Computational prediction algorithms indicate this variant is likely to affect gene or protein function. Given the available evidence, this variant is classified as Likely Pathogenic.

Fulgent Genetics
Classification: Likely pathogenic for Megalencephalic leukoencephalopathy with subcortical cysts 1. Last evaluated: 2024-04-16. Review status: criteria provided, single submitter. Criteria: ACMG Guidelines, 2015. Collection method: clinical testing. Allele origin: germline.

Women's Health and Genetics/Laboratory Corporation of America, LabCorp
Classification: Likely pathogenic for Megalencephalic leukoencephalopathy with subcortical cysts. Last evaluated: 2024-04-11. Review status: criteria provided, single submitter. Criteria: LabCorp Variant Classification Summary - May 2015. Collection method: clinical testing. Allele origin: germline.
Comment: Variant summary: MLC1 c.255T>G (p.Cys85Trp) results in a non-conservative amino acid change in the encoded protein sequence. Five of five in-silico tools predict a damaging effect of the variant on protein function. The variant was absent in 251138 control chromosomes (gnomAD). c.255T>G has been reported in the literature in at least two homozygous individuals affected with Megalencephalic Leukoencephalopathy With Subcortical Cysts 1 (e.g., Leegwater_2002). These data indicate that the variant is likely to be associated with disease. At least one publication reports experimental evidence evaluating an impact on protein function, finding that the variant resulted in severely reduced expression at the plasma membrane (e.g., Duarri_2008), similar to other known pathogenic variants. Another study showed that a chaperone could rescue intracellular accumulation of the variant (e.g., Capdevila-Nortes_2013). The following publications have been ascertained in the context of this evaluation (PMID: 23793458, 18757878, 11935341). ClinVar contains an entry for this variant (Variation ID: 1449030). Based on the evidence outlined above, the variant was classified as likely pathogenic.

Labcorp Genetics (formerly Invitae), Labcorp
Classification: Uncertain significance. Last evaluated: 2022-11-02. Review status: criteria provided, single submitter. Criteria: Invitae Variant Classification Sherloc (09022015). Collection method: clinical testing. Allele origin: germline.
Comment: Algorithms developed to predict the effect of missense changes on protein structure and function (SIFT, PolyPhen-2, Align-GVGD) all suggest that this variant is likely to be disruptive. Experimental studies have shown that this missense change affects MLC1 function (PMID: 18757878). This variant disrupts the p.Cys85 amino acid residue in MLC1. Other variant(s) that disrupt this residue have been observed in individuals with MLC1-related conditions (PMID: 21145992), which suggests that this may be a clinically significant amino acid residue. ClinVar contains an entry for this variant (Variation ID: 1449030). In summary, the available evidence is currently insufficient to determine the role of this variant in disease. Therefore, it has been classified as a Variant of Uncertain Significance. This sequence change replaces cysteine, which is neutral and slightly polar, with tryptophan, which is neutral and slightly polar, at codon 85 of the MLC1 protein (p.Cys85Trp). This variant is not present in population databases (gnomAD no frequency). This missense change has been observed in individual(s) with megalencephalic leukoencephalopathy with subcortical cysts 1 (PMID: 11935341).

Literature cited by the submitters: PubMed 11935341 (cited by 3 submitters); PubMed 35468122 (cited by Natera, Inc.); PubMed 18757878 (cited by 3 submitters); PubMed 23793458 (cited by Women's Health and Genetics/Laboratory Corporation of America, LabCorp); PubMed 21145992 (cited by Labcorp Genetics (formerly Invitae), Labcorp).

NM_015166.4(MLC1):c.255T>G (p.Cys85Trp)

Genes: MLC1 (modulator of VRAC current 1; minus strand), LOC125446261 (Sharpr-MPRA regulatory region 9327; plus strand). Cytogenetic location: 22q13.33.
Variant type: single nucleotide variant.
Coding change: c.255T>G on transcript NM_015166.4 (MANE Select); coding-DNA position 255, T replaced by G.
Protein change: p.Cys85Trp; replaces cysteine 85 with tryptophan.
Molecular consequence: missense variant. On other transcripts: intron variant (1), non-coding transcript variant (3).
Genome position (GRCh38, 1-based): chr22:50,083,096, A>C on the plus strand (T>G on the coding strand, the complement: MLC1 is on the minus strand). VCF-style: chr22-50083096-A-C. GRCh37 (hg19) VCF-style: chr22-50521525-A-C.
Other names: c.177+1630T>G (NM_001376480.1); c.255T>G (NM_015166.3); c.255T>G, p.Cys85Trp (NM_001376472.1, NM_001376473.1, NM_001376474.1 and 9 more transcripts); c.18T>G, p.Cys6Trp (NM_001376484.1); short protein forms C6W, C85W.
Identifiers: ClinVar variation 1449030 (VCV001449030.12), dbSNP rs2146932748, ClinGen allele CA412111547.